The following is an entry in ClinVar:

NM_013275.6(ANKRD11):c.7077C>A (p.Cys2359Ter)

Gene: ANKRD11 (ankyrin repeat domain 11; minus strand). Cytogenetic location: 16q24.3.
Variant type: single nucleotide variant.
Coding change: c.7077C>A on transcript NM_013275.6 (MANE Select); coding-DNA position 7077, C replaced by A.
Protein change: p.Cys2359Ter; replaces cysteine 2359 with a stop codon.
Molecular consequence: nonsense.
Genome position (GRCh38, 1-based): chr16:89,279,465, G>T on the plus strand (C>A on the coding strand, the complement: ANKRD11 is on the minus strand). VCF-style: chr16-89279465-G-T. GRCh37 (hg19) VCF-style: chr16-89345873-G-T.
Other names: c.7077C>A, p.Cys2359Ter (NM_001256182.2, NM_001256183.2); short protein forms C2359*.
Identifiers: ClinVar variation 4852620 (VCV004852620.2).
Genomic context (GRCh38, chr16:89,279,465, plus strand): 5'-GGCGTCGTCGTCCTCGGAGCCGCGGGCCTTGGCCCTGGTGACCGGGGCAGGGGTGGGGGC[G>T]CACTCCTTCTCGGAGGGGGGCGGGCCCTGCTTGCTCTGGTTCGCGAGCATCTGCGCCCGG-3'

ClinVar aggregate classification (germline): Likely pathogenic (1 of 4 stars; one submission).

Submission:

Dasa
Classification: Likely pathogenic. Last evaluated: 2025-08-24. Review status: criteria provided, single submitter. Criteria: DASA Assertion Criteria. Collection method: clinical testing. Allele origin: germline.
Comment: NM_013275.6(ANKRD11):c.7077C>A (p.Cys2359*) is a nonsense variant in ANKRD11 predicted to introduce a premature termination codon and is predicted to result in an absent or altered protein product. Loss of function is an established disease mechanism for ANKRD11 (PMID: 21782149; PMID: 35330407; PMID: 28422132). Also, this variant is absent from population databases. Based on the currently available evidence, this variant is classified as likely pathogenic.

Literature cited by the submitters: PubMed 21782149; PubMed 35330407; PubMed 28422132.